The following is an entry in ClinVar:

NM_021975.4(RELA):c.608_609del (p.Ser203fs)

Gene: RELA (RELA proto-oncogene, NF-kB subunit; minus strand). Cytogenetic location: 11q13.1.
Variant type: Microsatellite.
Coding change: c.608_609del on transcript NM_021975.4 (MANE Select); coding-DNA positions 608 to 609, 2 bases deleted (CT; older notation c.608_609delCT).
Protein change: p.Ser203fs; shifts the reading frame from serine 203.
Molecular consequence: frameshift variant. On other transcripts: intron variant (1).
Genome position (GRCh38, 1-based): chr11:65,658,773-65,658,774, AG deleted on the plus strand (CT on the coding strand, the reverse complement: RELA is on the minus strand); deleting any 2 consecutive bases within chr11:65,658,773-65,658,776 gives the same sequence; the c. name uses the placement nearest the transcript's 3' end. VCF-style (leftmost placement, unchanged base first): chr11-65658772-CAG-C. GRCh37 (hg19) VCF-style: chr11-65426243-CAG-C.
Other names: c.599_600del, p.Ser200fs (NM_001145138.2); c.608_609del, p.Ser203fs (NM_001243984.2, NM_001243985.2, NM_001404659.1); c.641_642del, p.Ser214fs (NM_001404657.1); c.581_582del, p.Ser194fs (NM_001404658.1); c.227_228del, p.Ser76fs (NM_001404661.1); c.515_516del, p.Ser172fs (NM_001404662.1, NM_001404663.1); c.559+892_559+893del (NM_001404660.1); short protein forms S76fs, S172fs, S200fs, S203fs, S194fs, S214fs.
Identifiers: ClinVar variation 2848689 (VCV002848689.3), dbSNP rs2496848830, ClinGen allele CA2614372776.

ClinVar aggregate classification (germline): Pathogenic (1 of 4 stars; one submission).

Submission:

Labcorp Genetics (formerly Invitae), Labcorp
Classification: Pathogenic. Last evaluated: 2023-04-25. Review status: criteria provided, single submitter. Criteria: Invitae Variant Classification Sherloc (09022015). Collection method: clinical testing. Allele origin: germline.
Comment: For these reasons, this variant has been classified as Pathogenic. This variant has not been reported in the literature in individuals affected with RELA-related conditions. This variant is not present in population databases (gnomAD no frequency). This sequence change creates a premature translational stop signal (p.Ser203Trpfs*8) in the RELA gene. It is expected to result in an absent or disrupted protein product. Loss-of-function variants in RELA are known to be pathogenic (PMID: 28600438).

Literature cited by the submitters: PubMed 28600438.